The following is an entry in ClinVar:

ClinVar aggregate classification (germline): Uncertain significance (1 of 4 stars; one submission).

Allele frequency attached by ClinVar (database versions not stated): gnomAD exomes below 0.00001; gnomAD 0.00001.
gnomAD v4.1: 4 of 1,613,830 alleles (0.00025%); highest among the groups gnomAD compares: Non-Finnish European, 0.00034%; no homozygotes.

Submission:

Labcorp Genetics (formerly Invitae), Labcorp
Classification: Uncertain significance. Last evaluated: 2022-02-14. Review status: criteria provided, single submitter. Criteria: Invitae Variant Classification Sherloc (09022015). Collection method: clinical testing. Allele origin: germline.
Comment: This sequence change replaces arginine, which is basic and polar, with glycine, which is neutral and non-polar, at codon 815 of the ITGAM protein (p.Arg815Gly). In summary, the available evidence is currently insufficient to determine the role of this variant in disease. Therefore, it has been classified as a Variant of Uncertain Significance. Algorithms developed to predict the effect of missense changes on protein structure and function output the following: SIFT: "Tolerated"; PolyPhen-2: "Benign"; Align-GVGD: "Class C0". The glycine amino acid residue is found in multiple mammalian species, which suggests that this missense change does not adversely affect protein function. This variant has not been reported in the literature in individuals affected with ITGAM-related conditions. This variant is present in population databases (no rsID available, gnomAD 0.0008%).

NM_000632.4(ITGAM):c.2443A>G (p.Arg815Gly)

Gene: ITGAM (integrin subunit alpha M; plus strand). Cytogenetic location: 16p11.2.
Variant type: single nucleotide variant.
Coding change: c.2443A>G on transcript NM_000632.4 (MANE Select); coding-DNA position 2443, A replaced by G.
Protein change: p.Arg815Gly; replaces arginine 815 with glycine.
Molecular consequence: missense variant.
Genome position (GRCh38, 1-based): chr16:31,325,342, A>G. VCF-style: chr16-31325342-A-G. GRCh37 (hg19) VCF-style: chr16-31336663-A-G.
Other names: c.2446A>G, p.Arg816Gly (NM_001145808.2); short protein forms R816G, R815G.
Identifiers: ClinVar variation 1428203 (VCV001428203.6), dbSNP rs1208158298, ClinGen allele CA395691059.